The following is an entry in ClinVar:

NM_000059.4(BRCA2):c.9391T>C (p.Ser3131Pro)

Gene: BRCA2 (BRCA2 DNA repair associated; plus strand). Cytogenetic location: 13q13.1.
Variant type: single nucleotide variant.
Coding change: c.9391T>C on transcript NM_000059.4 (MANE Select); coding-DNA position 9391, T replaced by C.
Protein change: p.Ser3131Pro; replaces serine 3131 with proline.
Molecular consequence: missense variant.
Genome position (GRCh38, 1-based): chr13:32,394,823, T>C. VCF-style: chr13-32394823-T-C. GRCh37 (hg19) VCF-style: chr13-32968960-T-C.
Other names: 9619T>C; short protein forms S3131P.
Identifiers: ClinVar variation 91524 (VCV000091524.29), dbSNP rs398122613, ClinGen allele CA026134.
Genomic context (GRCh38, chr13:32,394,823, plus strand): 5'-GAGGACATTATTAAGCCTCATATGTTAATTGCTGCAAGCAACCTCCAGTGGCGACCAGAA[T>C]CCAAATCAGGCCTTCTTACTTTATTTGCTGGAGATTTTTCTGTGTTTTCTGCTAGTCCAA-3'
Protein context (NP_000050.3, residues 3121-3141): AASNLQWRPE[Ser3131Pro]KSGLLTLFAG

ClinVar aggregate classification (germline): Conflicting classifications of pathogenicity. Review status: criteria provided, conflicting classifications (1 of 4 stars). 12 submissions from 12 submitters: Uncertain significance (9); Likely benign (2). 1 of the submissions does not count toward it. Last evaluated 2025-06-27.

Conditions:
Familial cancer of breast. Also called: BREAST CANCER, FAMILIAL; hereditary breast carcinoma; Hereditary breast cancer. Identifiers: Orphanet 227535, MedGen C0346153, MONDO:0016419, OMIM 114480. Disease mechanism: loss of function.
Breast-ovarian cancer, familial, susceptibility to, 2 (BROVCA2). Also called: BRCA2 Hereditary Breast and Ovarian Cancer. Identifiers: Orphanet 145, MedGen C2675520, MONDO:0012933, OMIM 612555. Disease mechanism: loss of function.
BRCA2-related disorder. Also called: BRCA2-related condition; BRCA2-related disorders. Identifiers: MedGen CN239275.
Hereditary breast ovarian cancer syndrome. Also called: Hereditary breast and ovarian cancer syndrome; Breast and ovarian cancer; BRCA1- and BRCA2-Associated Hereditary Breast and Ovarian Cancer; Hereditary breast and ovarian cancer syndrome (HBOC); Hereditary breast and ovarian cancer; Hereditary breast and/or ovarian cancer syndrome. Identifiers: Orphanet 145, MedGen C0677776, MeSH D061325, MONDO:0003582. Disease mechanism: loss of function.
Fanconi anemia complementation group D1. Also called: BRCA2-Related Fanconi Anemia. Identifiers: Orphanet 319462, MedGen C1838457, MONDO:0011584, OMIM 605724.
Medulloblastoma (MDB). Also called: Medulloblastoma, somatic; MEDULLOBLASTOMA PREDISPOSITION SYNDROME. Identifiers: Orphanet 616, MedGen C0025149, MeSH D008527, MONDO:0007959, OMIM 155255, HP:0002885.
Pancreatic cancer, susceptibility to, 2. Identifiers: Orphanet 1333, MedGen C3150546, MONDO:0013235, OMIM 613347.
Glioma susceptibility 3 (GLM3). Also called: Glioblastoma 3. Identifiers: Orphanet 182067, Orphanet 360, MedGen C2751641, MONDO:0013093, OMIM 613029.
Familial prostate cancer. Also called: Hereditary Prostate Cancer. Identifiers: MedGen C2931456, MONDO:0700275, OMIM 176807.
Wilms tumor 1 (WT1). Also called: Wilms tumor, somatic. Identifiers: Orphanet 654, MedGen CN033288, MONDO:0008679, OMIM 194070.
Hereditary cancer-predisposing syndrome. Also called: Hereditary neoplastic syndrome; Hereditary Cancer Syndrome; Neoplastic Syndromes, Hereditary; Tumor predisposition. Identifiers: Orphanet 140162, MedGen C0027672, MeSH D009386, MONDO:0015356.

Allele frequency attached by ClinVar (database versions not stated): TOPMed below 0.00001.
gnomAD v4.1: 1 of 1,614,120 alleles (0.000062%); no homozygotes.

Submissions (12):

PreventionGenetics, part of Exact Sciences
Classification: Uncertain significance for BRCA2-related condition. Last evaluated: 2025-06-27. Review status: criteria provided, single submitter. Criteria: ACMG Guidelines, 2015. Collection method: clinical testing. Allele origin: germline.
Comment: The BRCA2 c.9391T>C variant is predicted to result in the amino acid substitution p.Ser3131Pro. This variant has been reported in individuals with breast cancer and in unaffected individuals (Breast Cancer Association Consortium et al 2021. PubMed ID: 33471991). To our knowledge, this variant has not been reported in a large population database (gnomAD), indicating this variant is rare, and has conflicting interpretations in ClinVar ranging from uncertain significance and likely benign. At this time, the clinical significance of this variant is uncertain due to the absence of conclusive functional and genetic evidence.

Ambry Genetics
Classification: Likely benign for Hereditary cancer-predisposing syndrome. Last evaluated: 2025-05-16. Review status: criteria provided, single submitter. Criteria: Ambry Variant Classification Scheme 2023. Collection method: clinical testing. Allele origin: germline.

Labcorp Genetics (formerly Invitae), Labcorp
Classification: Likely benign for Hereditary breast ovarian cancer syndrome. Last evaluated: 2025-05-13. Review status: criteria provided, single submitter. Criteria: Invitae Variant Classification Sherloc (09022015). Collection method: clinical testing. Allele origin: germline.

Baylor Genetics
Classification: Uncertain significance for Familial cancer of breast. Last evaluated: 2024-03-18. Review status: criteria provided, single submitter. Criteria: ACMG Guidelines, 2015. Collection method: clinical testing. Allele origin: unknown.

Fulgent Genetics
Classification: Uncertain significance for Familial cancer of breast; Medulloblastoma; Familial prostate cancer; Wilms tumor 1; Fanconi anemia complementation group D1; Breast-ovarian cancer, familial, susceptibility to, 2; Glioma susceptibility 3; Pancreatic cancer, susceptibility to, 2. Last evaluated: 2024-02-02. Review status: criteria provided, single submitter. Criteria: ACMG Guidelines, 2015. Collection method: clinical testing. Allele origin: germline.

All of Us Research Program, National Institutes of Health
Classification: Uncertain significance for Breast-ovarian cancer, familial, susceptibility to, 2. Last evaluated: 2023-07-07. Review status: criteria provided, single submitter. Criteria: ACMG Guidelines, 2015. Collection method: clinical testing. Allele origin: germline. Inheritance: Autosomal dominant inheritance. Observed: 1 variant allele, 1 heterozygote.
Comment: This missense variant replaces serine with proline at codon 3131 of the BRCA2 protein. Computational prediction is inconclusive regarding the impact of this variant on protein structure and function (internally defined REVEL score threshold 0.5 < inconclusive < 0.7, PMID: 27666373). To our knowledge, functional studies have not been reported for this variant. This variant has not been reported in individuals affected with hereditary cancer in the literature. This variant has not been identified in the general population by the Genome Aggregation Database (gnomAD). The available evidence is insufficient to determine the role of this variant in disease conclusively. Therefore, this variant is classified as a Variant of Uncertain Significance.

This study involves interpretation of variants in research participants for the purpose of population health screening. Participant phenotype was not available at the time of variant classification. Additional details can be found in publication PMID: 35346344, PMCID: PMC8962531

GeneDx
Classification: Uncertain significance. Last evaluated: 2022-06-07. Review status: criteria provided, single submitter. Criteria: GeneDx Variant Classification Process June 2021. Collection method: clinical testing. Allele origin: germline. Affected: yes.
Comment: Not observed at significant frequency in large population cohorts (gnomAD); In silico analysis supports that this missense variant does not alter protein structure/function; Has not been previously published as pathogenic or benign to our knowledge; Also known as 9619T>C; This variant is associated with the following publications: (PMID: 12228710)

Department of Pathology and Laboratory Medicine, Sinai Health System
Classification: Uncertain significance for Familial cancer of breast; Breast-ovarian cancer, familial, susceptibility to, 2. Last evaluated: 2022-04-27. Review status: criteria provided, single submitter. Criteria: ACMG Guidelines, 2015. Collection method: clinical testing. Allele origin: germline. Affected: yes.

Color Diagnostics, LLC DBA Color Health
Classification: Uncertain significance for Hereditary cancer-predisposing syndrome. Last evaluated: 2022-01-05. Review status: criteria provided, single submitter. Criteria: ACMG Guidelines, 2015. Collection method: clinical testing. Allele origin: germline.
Comment: This missense variant replaces serine with proline at codon 3131 of the BRCA2 protein. Computational prediction is inconclusive regarding the impact of this variant on protein structure and function (internally defined REVEL score threshold 0.5 < inconclusive < 0.7, PMID: 27666373). To our knowledge, functional studies have not been reported for this variant. This variant has not been reported in individuals affected with hereditary cancer in the literature. This variant has not been identified in the general population by the Genome Aggregation Database (gnomAD). The available evidence is insufficient to determine the role of this variant in disease conclusively. Therefore, this variant is classified as a Variant of Uncertain Significance.

Sema4
Classification: Uncertain significance for Hereditary cancer-predisposing syndrome. Last evaluated: 2021-08-03. Review status: criteria provided, single submitter. Criteria: Sema4 Curation Guidelines. Collection method: curation. Allele origin: germline.
Comment: The BRCA2 c.9391T>C (p.S3131P) variant has been reported in an individual with breast cancer, but has also been reported in healthy individuals (PMID: 33471991, 32817299). It was not observed in the large and broad cohorts of the Genome Aggregation Database. The variant has been reported in ClinVar (Variation ID 91524). Functional studies have not been performed, and in silico predictions of the variant's effect on protein function are inconclusive. The evidence is insufficient to meet ACMG/AMP criteria for classifying the variant as benign or pathogenic. Thus, the clinical significance of this variant is currently uncertain.

Quest Diagnostics Nichols Institute San Juan Capistrano
Classification: Uncertain significance. Last evaluated: 2017-04-08. Review status: criteria provided, single submitter. Criteria: Quest Diagnostics criteria. Collection method: clinical testing. Allele origin: germline.

Sharing Clinical Reports Project (SCRP)
Classification: Uncertain significance for Breast-ovarian cancer, familial 2. Last evaluated: 2012-10-03. Review status: no assertion criteria provided. Collection method: clinical testing. Allele origin: germline. Not counted in ClinVar's aggregate classification.

Literature cited by the submitters: PubMed 33471991 (cited by Sema4); PubMed 32817299 (cited by Sema4).